The following is an entry in ClinVar:

NM_033337.3(CAV3):c.371G>A (p.Cys124Tyr)

Genes: CAV3 (caveolin 3; plus strand), OXTR (oxytocin receptor; minus strand). Cytogenetic location: 3p25.3.
Variant type: single nucleotide variant.
Coding change: c.371G>A on transcript NM_033337.3 (MANE Select); coding-DNA position 371, G replaced by A.
Protein change: p.Cys124Tyr; replaces cysteine 124 with tyrosine.
Molecular consequence: missense variant.
Genome position (GRCh38, 1-based): chr3:8,745,782, G>A. VCF-style: chr3-8745782-G-A. GRCh37 (hg19) VCF-style: chr3-8787468-G-A.
Other names: c.371G>A, p.Cys124Tyr (NM_001234.5); short protein forms C124Y.
Identifiers: ClinVar variation 4781272 (VCV004781272.1).

ClinVar aggregate classification (germline): Uncertain significance (1 of 4 stars; one submission).

Conditions:
Long QT syndrome (LQTS). Identifiers: MedGen C0023976, MeSH D008133, MONDO:0002442. Disease mechanism: loss of function. Inheritance: Various modes of inheritance.

Submission:

Labcorp Genetics (formerly Invitae), Labcorp
Classification: Uncertain significance for Long QT syndrome. Last evaluated: 2025-09-15. Review status: criteria provided, single submitter. Criteria: Invitae Variant Classification Sherloc (09022015). Collection method: clinical testing. Allele origin: germline.
Comment: This sequence change replaces cysteine, which is neutral and slightly polar, with tyrosine, which is neutral and polar, at codon 124 of the CAV3 protein (p.Cys124Tyr). This variant is not present in population databases (gnomAD no frequency). This variant has not been reported in the literature in individuals affected with CAV3-related conditions. An algorithm developed to predict the effect of missense changes on protein structure and function (PolyPhen-2) suggests that this variant is likely to be disruptive. In summary, the available evidence is currently insufficient to determine the role of this variant in disease. Therefore, it has been classified as a Variant of Uncertain Significance.